The following is an entry in ClinVar:

NM_002890.3(RASA1):c.3085A>G (p.Ile1029Val)

Genes: CCNH (cyclin H; minus strand), RASA1 (RAS p21 protein activator 1; plus strand). Cytogenetic location: 5q14.3.
Variant type: single nucleotide variant.
Coding change: c.3085A>G on transcript NM_002890.3 (MANE Select); coding-DNA position 3085, A replaced by G.
Protein change: p.Ile1029Val; replaces isoleucine 1029 with valine.
Molecular consequence: missense variant. On other transcripts: 3 prime UTR variant (2), non-coding transcript variant (1), intron variant (1).
Genome position (GRCh38, 1-based): chr5:87,390,824, A>G. VCF-style: chr5-87390824-A-G. GRCh37 (hg19) VCF-style: chr5-86686641-A-G.
Other names: c.2554A>G, p.Ile852Val (NM_022650.3); c.*2036T>C (NM_001363539.2, NM_001364076.2); c.933+4220T>C (NM_001364075.2); short protein forms I1029V, I852V.
Identifiers: ClinVar variation 533446 (VCV000533446.11), dbSNP rs377550978, ClinGen allele CA3336228.

ClinVar aggregate classification (germline): Conflicting classifications of pathogenicity. Review status: criteria provided, conflicting classifications (1 of 4 stars). 2 submissions from 2 submitters: Uncertain significance (1); Likely benign (1). Last evaluated 2025-10-26.

Conditions:
Cardiovascular phenotype. Identifiers: MedGen CN230736.
Capillary malformation-arteriovenous malformation syndrome. Also called: Capillary malformation-arteriovenous malformation. Identifiers: Orphanet 137667, MedGen C1842180, MONDO:0012016.

Allele frequency attached by ClinVar (database versions not stated): gnomAD exomes 0.00007 and 0.00005; gnomAD 0.00010; TOPMed 0.00004; ExAC 0.00005; ESP Exome Variant Server 0.00008.
gnomAD v4.1: 85 of 1,613,356 alleles (0.0053%); highest among the groups gnomAD compares: Admixed American, 0.0083%; no homozygotes.

Submissions (2):

Labcorp Genetics (formerly Invitae), Labcorp
Classification: Uncertain significance for Capillary malformation-arteriovenous malformation syndrome. Last evaluated: 2025-10-26. Review status: criteria provided, single submitter. Criteria: Invitae Variant Classification Sherloc (09022015). Collection method: clinical testing. Allele origin: germline.
Comment: This sequence change replaces isoleucine, which is neutral and non-polar, with valine, which is neutral and non-polar, at codon 1029 of the RASA1 protein (p.Ile1029Val). This variant is present in population databases (rs377550978, gnomAD 0.04%), and has an allele count higher than expected for a pathogenic variant. This variant has not been reported in the literature in individuals affected with RASA1-related conditions. ClinVar contains an entry for this variant (Variation ID: 533446). An algorithm developed to predict the effect of missense changes on protein structure and function (PolyPhen-2) suggests that this variant is likely to be tolerated. In summary, the available evidence is currently insufficient to determine the role of this variant in disease. Therefore, it has been classified as a Variant of Uncertain Significance.

Ambry Genetics
Classification: Likely benign for Cardiovascular phenotype. Last evaluated: 2022-11-15. Review status: criteria provided, single submitter. Criteria: Ambry Variant Classification Scheme 2023. Collection method: clinical testing. Allele origin: germline.